The following is an entry in ClinVar:

NM_172240.3(POC1B):c.678del (p.His227fs)

Genes: POC1B (POC1 centriolar protein B; minus strand), POC1B-DUSP6 (POC1B-DUSP6 readthrough; minus strand). Cytogenetic location: 12q21.33.
Variant type: Deletion.
Coding change: c.678del on transcript NM_172240.3 (MANE Select); coding-DNA position 678, one base deleted (T; older notation c.678delT).
Protein change: p.His227fs; shifts the reading frame from histidine 227.
Molecular consequence: frameshift variant. On other transcripts: non-coding transcript variant (2).
Genome position (GRCh38, 1-based): chr12:89,470,493, A deleted on the plus strand (T on the coding strand, the reverse complement: POC1B is on the minus strand); the first of 2 consecutive A bases (chr12:89,470,493-89,470,494); deleting either gives the same sequence. VCF-style (leftmost placement, unchanged base first): chr12-89470492-GA-G. GRCh37 (hg19) VCF-style: chr12-89864269-GA-G.
Other names: c.552del, p.His185fs (NM_001199777.2); short protein forms H185fs, H227fs.
Identifiers: ClinVar variation 1457070 (VCV001457070.6), dbSNP rs2120845441, ClinGen allele CA2573149081.

ClinVar aggregate classification (germline): Pathogenic (1 of 4 stars; one submission).

Submission:

Labcorp Genetics (formerly Invitae), Labcorp
Classification: Pathogenic. Last evaluated: 2024-02-24. Review status: criteria provided, single submitter. Criteria: Invitae Variant Classification Sherloc (09022015). Collection method: clinical testing. Allele origin: germline.
Comment: This sequence change creates a premature translational stop signal (p.His227Thrfs*32) in the POC1B gene. It is expected to result in an absent or disrupted protein product. Loss-of-function variants in POC1B are known to be pathogenic (PMID: 25018096, 29220607). This variant is not present in population databases (gnomAD no frequency). This variant has not been reported in the literature in individuals affected with POC1B-related conditions. ClinVar contains an entry for this variant (Variation ID: 1457070). For these reasons, this variant has been classified as Pathogenic.

Literature cited by the submitters: PubMed 25018096; PubMed 29220607.